The following is an entry in ClinVar:

ClinVar aggregate classification (germline): Uncertain significance (1 of 4 stars; one submission).

Conditions:
Inborn genetic diseases. Identifiers: MedGen C0950123, MeSH D030342.

Submission:

Ambry Genetics
Classification: Uncertain significance for Inborn genetic diseases. Last evaluated: 2025-03-02. Review status: criteria provided, single submitter. Criteria: Ambry Variant Classification Scheme 2023. Collection method: clinical testing. Allele origin: germline.
Comment: The p.N365K variant (also known as c.1095C>A), located in coding exon 4 of the GATA2 gene, results from a C to A substitution at nucleotide position 1095. The asparagine at codon 365 is replaced by lysine, an amino acid with similar properties. This amino acid position is conserved. In addition, the in silico prediction for this alteration is inconclusive. Based on the available evidence, the clinical significance of this variant remains unclear.

NM_032638.5(GATA2):c.1095C>A (p.Asn365Lys)

Gene: GATA2 (GATA binding protein 2; minus strand). Cytogenetic location: 3q21.3.
Variant type: single nucleotide variant.
Coding change: c.1095C>A on transcript NM_032638.5 (MANE Select); coding-DNA position 1095, C replaced by A.
Protein change: p.Asn365Lys; replaces asparagine 365 with lysine.
Molecular consequence: missense variant.
Genome position (GRCh38, 1-based): chr3:128,481,867, G>T on the plus strand (C>A on the coding strand, the complement: GATA2 is on the minus strand). VCF-style: chr3-128481867-G-T. GRCh37 (hg19) VCF-style: chr3-128200710-G-T.
Other names: c.1095C>A, p.Asn365Lys (NM_001145661.2); c.1053C>A, p.Asn351Lys (NM_001145662.1); short protein forms N365K, N351K.
Identifiers: ClinVar variation 3853036 (VCV003853036.1).